The following is an entry in ClinVar:

NM_145868.2(ANXA11):c.1187A>G (p.Asn396Ser)

Genes: ANXA11 (annexin A11; minus strand), LOC126860977 (CDK7 strongly-dependent group 2 enhancer GRCh37_chr10:81917938-81919137; plus strand). Cytogenetic location: 10q22.3.
Variant type: single nucleotide variant.
Coding change: c.1187A>G on transcript NM_145868.2 (MANE Select); coding-DNA position 1187, A replaced by G.
Protein change: p.Asn396Ser; replaces asparagine 396 with serine.
Molecular consequence: missense variant.
Genome position (GRCh38, 1-based): chr10:80,159,189, T>C on the plus strand (A>G on the coding strand, the complement: ANXA11 is on the minus strand). VCF-style: chr10-80159189-T-C. GRCh37 (hg19) VCF-style: chr10-81918945-T-C.
Other names: c.1187A>G, p.Asn396Ser (NM_001157.3, NM_001278407.2, NM_001278408.2 and 1 more transcripts); c.1088A>G, p.Asn363Ser (NM_001278409.2); short protein forms N363S, N396S.
Identifiers: ClinVar variation 2636672 (VCV002636672.1), dbSNP rs771962116, ClinGen allele CA5575869.

ClinVar aggregate classification (germline): Uncertain significance (1 of 4 stars; one submission).

Conditions:
ANXA11-related disorder. Also called: ANXA11-related condition.

gnomAD v4.1: 17 of 1,613,604 alleles (0.0011%); highest among the groups gnomAD compares: Admixed American, 0.0017%; no homozygotes.

Submission:

PreventionGenetics, part of Exact Sciences
Classification: Uncertain significance for ANXA11-related condition. Last evaluated: 2022-12-16. Review status: criteria provided, single submitter. Criteria: ACMG Guidelines, 2015. Collection method: clinical testing. Allele origin: germline.
Comment: The ANXA11 c.1187A>G variant is predicted to result in the amino acid substitution p.Asn396Ser. To our knowledge, this variant has not been reported in the literature. This variant is reported in 0.0062% of alleles in individuals of African descent in gnomAD. At this time, the clinical significance of this variant is uncertain due to the absence of conclusive functional and genetic evidence.